The following is an entry in ClinVar:

ClinVar aggregate classification (germline): Uncertain significance (3 of 4 stars; one submission).

Conditions:
Monogenic diabetes. Identifiers: Orphanet 183625, MedGen C3888631, MONDO:0015967.

Submission:

ClinGen Monogenic Diabetes Variant Curation Expert Panel
Classification: Uncertain significance for Monogenic diabetes. Last evaluated: 2025-09-17. Review status: reviewed by expert panel. Criteria: ClinGen Diabetes ACMG Specifications HNF4A V3.0.0. Collection method: curation. Allele origin: germline. Inheritance: Autosomal dominant inheritance.
Comment: The c.146A>G variant in the hepatocyte nuclear factor 4-alpha gene, HNF4A, causes an amino acid change of histidine to arginine at codon 49 (p.(His49Arg)) of NM_175914.5. This variant is absent from gnomAD v4.1.0 (PM2_Supporting). This variant is predicted to be deleterious by computational evidence, with a REVEL score of 0.991, which is greater than the MDEP VCEP threshold of 0.70 (PP3). This variant resides in an amino acid within the HNF4α DNA binding domain that directly binds DNA, which is defined as critical for the protein’s function by the ClinGen MDEP (PM1). This variant was identified in an individual with diabetes; however, the MODY probability is unable to be calculated due to lack of clinical information, therefore, PP4 cannot be applied (PMID: 25555642). Another missense variant at the same residue, c.145C>T (p.His49Tyr), has been classified as pathogenic by the ClinGen MDEP but has a greater Grantham distance than p.His49Arg (PM5_Supporting). In summary, c.146A>G meets the criteria to be classified as a variant of uncertain significance for monogenic diabetes. ACMG/AMP criteria applied, as specified by the ClinGen MDEP (specification version 3.0.0, approved 6/30/2025): PM1, PM2_Supporting, PM5_Supporting, PP3.

Literature cited by the submitters: PubMed 25555642.

NM_175914.5(HNF4A):c.146A>G (p.His49Arg)

Gene: HNF4A (hepatocyte nuclear factor 4 alpha; plus strand). Cytogenetic location: 20q13.12.
Variant type: single nucleotide variant.
Coding change: c.146A>G on transcript NM_175914.5 (MANE Select); coding-DNA position 146, A replaced by G.
Protein change: p.His49Arg; replaces histidine 49 with arginine.
Molecular consequence: missense variant.
Genome position (GRCh38, 1-based): chr20:44,406,154, A>G. VCF-style: chr20-44406154-A-G. GRCh37 (hg19) VCF-style: chr20-43034794-A-G.
Other names: NM_175914.5:c.146A>G; c.212A>G, p.His71Arg (NM_000457.6, NM_178849.3, NM_178850.3); c.146A>G, p.His49Arg (NM_001030003.3, NM_001030004.3); c.191A>G, p.His64Arg (NM_001258355.2); c.137A>G, p.His46Arg (NM_001287182.2, NM_001287183.2, NM_001287184.2); short protein forms H46R, H49R, H64R, H71R.
Identifiers: ClinVar variation 4087745 (VCV004087745.1).